The following is an entry in ClinVar:

ClinVar aggregate classification (germline): Uncertain significance (1 of 4 stars; one submission).

gnomAD v4.1: 4 of 1,547,992 alleles (0.00026%); highest among the groups gnomAD compares: East Asian, 0.009%; no homozygotes.

Submission:

Labcorp Genetics (formerly Invitae), Labcorp
Classification: Uncertain significance. Last evaluated: 2025-03-12. Review status: criteria provided, single submitter. Criteria: Invitae Variant Classification Sherloc (09022015). Collection method: clinical testing. Allele origin: germline.
Comment: This sequence change replaces arginine, which is basic and polar, with serine, which is neutral and polar, at codon 1226 of the TAOK2 protein (p.Arg1226Ser). The frequency data for this variant in the population databases is considered unreliable, as metrics indicate poor data quality at this position in the gnomAD database. This variant has not been reported in the literature in individuals affected with TAOK2-related conditions. An algorithm developed to predict the effect of missense changes on protein structure and function (PolyPhen-2) suggests that this variant is likely to be disruptive. In summary, the available evidence is currently insufficient to determine the role of this variant in disease. Therefore, it has been classified as a Variant of Uncertain Significance.

NM_016151.4(TAOK2):c.3676C>A (p.Arg1226Ser)

Gene: TAOK2 (TAO kinase 2; plus strand). Cytogenetic location: 16p11.2.
Variant type: single nucleotide variant.
Coding change: c.3676C>A on transcript NM_016151.4 (MANE Select); coding-DNA position 3676, C replaced by A.
Protein change: p.Arg1226Ser; replaces arginine 1226 with serine.
Molecular consequence: missense variant. On other transcripts: intron variant (1).
Genome position (GRCh38, 1-based): chr16:29,987,948, C>A. VCF-style: chr16-29987948-C-A. GRCh37 (hg19) VCF-style: chr16-29999269-C-A.
Other names: c.3337C>A, p.Arg1113Ser (NM_001252043.2); c.2232+1444C>A (NM_004783.4); short protein forms R1113S, R1226S.
Identifiers: ClinVar variation 4703590 (VCV004703590.1).